The following is an entry in ClinVar:

ClinVar aggregate classification (germline): Uncertain significance (1 of 4 stars; one submission).

Conditions:
Cardiovascular phenotype. Identifiers: MedGen CN230736.

gnomAD v4.1: 5 of 1,614,098 alleles (0.00031%); highest among the groups gnomAD compares: Non-Finnish European, 0.00042%; no homozygotes.

Submission:

Ambry Genetics
Classification: Uncertain significance for Cardiovascular phenotype. Last evaluated: 2023-06-19. Review status: criteria provided, single submitter. Criteria: Ambry Variant Classification Scheme 2023. Collection method: clinical testing. Allele origin: germline.
Comment: The p.V542L variant (also known as c.1624G>C), located in coding exon 11 of the ABCG5 gene, results from a G to C substitution at nucleotide position 1624. The valine at codon 542 is replaced by leucine, an amino acid with highly similar properties. This amino acid position is conserved. In addition, this alteration is predicted to be tolerated by in silico analysis. Since supporting evidence is limited at this time, the clinical significance of this alteration remains unclear.

NM_022436.3(ABCG5):c.1624G>C (p.Val542Leu)

Genes: ABCG5 (ATP binding cassette subfamily G member 5; minus strand), DYNC2LI1 (dynein cytoplasmic 2 light intermediate chain 1; plus strand). Cytogenetic location: 2p21.
Variant type: single nucleotide variant.
Coding change: c.1624G>C on transcript NM_022436.3 (MANE Select); coding-DNA position 1624, G replaced by C.
Protein change: p.Val542Leu; replaces valine 542 with leucine.
Molecular consequence: missense variant. On other transcripts: intron variant (2).
Genome position (GRCh38, 1-based): chr2:43,819,940, C>G on the plus strand (G>C on the coding strand, the complement: ABCG5 is on the minus strand). VCF-style: chr2-43819940-C-G. GRCh37 (hg19) VCF-style: chr2-44047079-C-G.
Other names: c.*16-7446C>G (NM_001348913.2, NM_001348912.2); short protein forms V542L.
Identifiers: ClinVar variation 2624493 (VCV002624493.2), dbSNP rs951160382, ClinGen allele CA46454914.